The following is an entry in ClinVar:

ClinVar aggregate classification (germline): Uncertain significance (1 of 4 stars; one submission).

Submission:

Labcorp Genetics (formerly Invitae), Labcorp
Classification: Uncertain significance. Last evaluated: 2023-06-02. Review status: criteria provided, single submitter. Criteria: Invitae Variant Classification Sherloc (09022015). Collection method: clinical testing. Allele origin: germline.
Comment: This sequence change replaces valine, which is neutral and non-polar, with isoleucine, which is neutral and non-polar, at codon 1482 of the CACNA1D protein (p.Val1482Ile). In summary, the available evidence is currently insufficient to determine the role of this variant in disease. Therefore, it has been classified as a Variant of Uncertain Significance. Advanced modeling of protein sequence and biophysical properties (such as structural, functional, and spatial information, amino acid conservation, physicochemical variation, residue mobility, and thermodynamic stability) performed at Invitae indicates that this missense variant is not expected to disrupt CACNA1D protein function. This variant has not been reported in the literature in individuals affected with CACNA1D-related conditions. This variant is not present in population databases (gnomAD no frequency).

NM_001128840.3(CACNA1D):c.4384G>A (p.Val1462Ile)

Gene: CACNA1D (calcium voltage-gated channel subunit alpha1 D; plus strand). Cytogenetic location: 3p21.1.
Variant type: single nucleotide variant.
Coding change: c.4384G>A on transcript NM_001128840.3 (MANE Select); coding-DNA position 4384, G replaced by A.
Protein change: p.Val1462Ile; replaces valine 1462 with isoleucine.
Molecular consequence: missense variant.
Genome position (GRCh38, 1-based): chr3:53,776,624, G>A. VCF-style: chr3-53776624-G-A. GRCh37 (hg19) VCF-style: chr3-53810651-G-A.
Other names: c.4444G>A, p.Val1482Ile (NM_000720.4); c.4339G>A, p.Val1447Ile (NM_001128839.3); short protein forms V1462I, V1447I, V1482I.
Identifiers: ClinVar variation 2756663 (VCV002756663.3), dbSNP rs2474253460, ClinGen allele CA353242740.